The following is an entry in ClinVar:

ClinVar aggregate classification (germline): Uncertain significance (1 of 4 stars; one submission).

gnomAD v4.1: 1 of 1,613,942 alleles (0.000062%); highest among the groups gnomAD compares: Non-Finnish European, 0.000085%; no homozygotes.

Submission:

GeneDx
Classification: Uncertain significance. Last evaluated: 2026-09-14. Review status: criteria provided, single submitter. Criteria: GeneDx Variant Classification Process June 2021. Collection method: clinical testing. Allele origin: germline.
Comment: Not observed at significant frequency in large population cohorts (gnomAD); In silico analysis supports that this variant does not alter splicing; Has not been previously published as pathogenic or benign to our knowledge.

NM_052867.4(NALCN):c.2757+4C>T

Gene: NALCN (sodium leak channel, non-selective; minus strand). Cytogenetic location: 13q33.1.
Variant type: single nucleotide variant.
Coding change: c.2757+4C>T on transcript NM_052867.4 (MANE Select); 4 bases into the intron after coding-DNA position 2757, C replaced by T.
Molecular consequence: intron variant.
Genome position (GRCh38, 1-based): chr13:101,104,526, G>A on the plus strand (C>T on the coding strand, the complement: NALCN is on the minus strand). VCF-style: chr13-101104526-G-A. GRCh37 (hg19) VCF-style: chr13-101756877-G-A.
Other names: c.2670+4C>T (NM_001350751.2, NM_001350750.2); c.2757+4C>T (NM_001350749.2); c.2844+4C>T (NM_001350748.2).
Identifiers: ClinVar variation 3343085 (VCV003343085.2).